The following is an entry in ClinVar:

NM_000260.4(MYO7A):c.5739C>T (p.Asp1913=)

Gene: MYO7A (myosin VIIA; plus strand). Cytogenetic location: 11q13.5.
Variant type: single nucleotide variant.
Coding change: c.5739C>T on transcript NM_000260.4 (MANE Select); coding-DNA position 5739, C replaced by T.
Protein change: p.Asp1913=; no amino-acid change (aspartic acid 1913 retained).
Molecular consequence: synonymous variant.
Genome position (GRCh38, 1-based): chr11:77,206,199, C>T. VCF-style: chr11-77206199-C-T. GRCh37 (hg19) VCF-style: chr11-76917244-C-T.
Other names: c.5625C>T, p.Asp1875= (NM_001127180.2); c.5592C>T, p.Asp1864= (NM_001369365.1).
Identifiers: ClinVar variation 764360 (VCV000764360.16), dbSNP rs375992788, ClinGen allele CA6198799.

ClinVar aggregate classification (germline): Likely benign. Review status: criteria provided, multiple submitters, no conflicts (2 of 4 stars). 4 submissions from 4 submitters: Likely benign (4). Last evaluated 2026-02-01.

Conditions:
MYO7A-related disorder. Also called: MYO7A-related disorders.

Allele frequency attached by ClinVar (database versions not stated): TOPMed 0.00002; gnomAD 0.00003; gnomAD exomes 0.00005 and 0.00016; ESP Exome Variant Server 0.00008; ExAC 0.00020.
gnomAD v4.1: 82 of 1,610,146 alleles (0.0051%); highest among the groups gnomAD compares: East Asian, 0.038%; no homozygotes.

Submissions (4):

CeGaT Center for Human Genetics Tuebingen
Classification: Likely benign. Last evaluated: 2026-02-01. Review status: criteria provided, single submitter. Criteria: CeGaT Center For Human Genetics Tuebingen Variant Classification Criteria Version 2. Collection method: clinical testing. Allele origin: germline. Affected: yes. Observed: 1 variant allele.
Comment: MYO7A: PM2:Supporting, BP4, BP7

PreventionGenetics, part of Exact Sciences
Classification: Likely benign for MYO7A-related condition. Last evaluated: 2025-10-06. Review status: criteria provided, single submitter. Criteria: ACMG Guidelines, 2015. Collection method: clinical testing. Allele origin: germline.
Comment: This variant is classified as likely benign based on ACMG/AMP sequence variant interpretation guidelines (Richards et al. 2015 PMID: 25741868, with internal and published modifications).

Labcorp Genetics (formerly Invitae), Labcorp
Classification: Likely benign. Last evaluated: 2025-04-23. Review status: criteria provided, single submitter. Criteria: Invitae Variant Classification Sherloc (09022015). Collection method: clinical testing. Allele origin: germline.

Blueprint Genetics
Classification: Likely benign. Last evaluated: 2024-03-07. Review status: criteria provided, single submitter. Criteria: ACMG Guidelines, 2015. Collection method: clinical testing. Allele origin: germline.